The following is an entry in ClinVar:

ClinVar aggregate classification (germline): Pathogenic. Review status: criteria provided, multiple submitters, no conflicts (2 of 4 stars). 4 submissions from 4 submitters: Pathogenic (4). Last evaluated 2024-01-11.

Conditions:
ERCC6-related disorder. Also called: ERCC6-related condition; ERCC6-related disorders. Identifiers: MedGen CN239385.
Inborn genetic diseases. Identifiers: MedGen C0950123, MeSH D030342.
Cockayne syndrome type 2 (CSB). Also called: Cockayne Syndrome, Type II; COCKAYNE SYNDROME B. Identifiers: Orphanet 191, Orphanet 90322, MedGen C0751038, MONDO:0019570, OMIM 133540.

Allele frequency attached by ClinVar (database versions not stated): gnomAD exomes 0.00001; TOPMed 0.00001.
gnomAD v4.1: 8 of 1,614,034 alleles (0.0005%); highest among the groups gnomAD compares: Admixed American, 0.0017%; no homozygotes.

Submissions (4):

Labcorp Genetics (formerly Invitae), Labcorp
Classification: Pathogenic. Last evaluated: 2024-01-11. Review status: criteria provided, single submitter. Criteria: Invitae Variant Classification Sherloc (09022015). Collection method: clinical testing. Allele origin: germline.
Comment: This sequence change replaces arginine, which is basic and polar, with tryptophan, which is neutral and slightly polar, at codon 670 of the ERCC6 protein (p.Arg670Trp). This variant is present in population databases (rs202080674, gnomAD 0.003%). This missense change has been observed in individual(s) with Cockayne syndrome (PMID: 9443879, 25251875). In at least one individual the data is consistent with being in trans (on the opposite chromosome) from a pathogenic variant. It has also been observed to segregate with disease in related individuals. ClinVar contains an entry for this variant (Variation ID: 190158). Advanced modeling of protein sequence and biophysical properties (such as structural, functional, and spatial information, amino acid conservation, physicochemical variation, residue mobility, and thermodynamic stability) has been performed at Invitae for this missense variant, however the output from this modeling did not meet the statistical confidence thresholds required to predict the impact of this variant on ERCC6 protein function. Experimental studies have shown that this missense change affects ERCC6 function (PMID: 9443879). For these reasons, this variant has been classified as Pathogenic.

Blueprint Genetics
Classification: Pathogenic for ERCC6-related disorders. Last evaluated: 2018-11-05. Review status: criteria provided, single submitter. Criteria: ACMG Guidelines, 2015. Collection method: clinical testing. Allele origin: germline. Affected: yes. Observed: 1 variant allele.

Ambry Genetics
Classification: Pathogenic for Inborn genetic diseases. Last evaluated: 2017-07-11. Review status: criteria provided, single submitter. Criteria: Ambry exome assertion method (8-5-2015). Collection method: clinical testing. Allele origin: germline. Affected: yes. Observed: 1 variant allele.

Claritas Genomics
Classification: Pathogenic for Cockayne syndrome, type B. Last evaluated: 2011-06-17. Review status: criteria provided, single submitter. Criteria: ACMG Guidelines, 2007. Collection method: clinical testing. Allele origin: germline. Inheritance: Autosomal recessive inheritance.

Literature cited by the submitters: PubMed 9443879 (cited by Labcorp Genetics (formerly Invitae), Labcorp and Ambry Genetics); PubMed 25251875 (cited by Labcorp Genetics (formerly Invitae), Labcorp and Ambry Genetics); PubMed 19894250 (cited by Ambry Genetics).

NM_000124.4(ERCC6):c.2008C>T (p.Arg670Trp)

Gene: ERCC6 (ERCC excision repair 6, chromatin remodeling factor; minus strand). Cytogenetic location: 10q11.23.
Variant type: single nucleotide variant.
Coding change: c.2008C>T on transcript NM_000124.4 (MANE Select); coding-DNA position 2008, C replaced by T.
Protein change: p.Arg670Trp; replaces arginine 670 with tryptophan.
Molecular consequence: missense variant.
Genome position (GRCh38, 1-based): chr10:49,482,848, G>A on the plus strand (C>T on the coding strand, the complement: ERCC6 is on the minus strand). VCF-style: chr10-49482848-G-A. GRCh37 (hg19) VCF-style: chr10-50690894-G-A.
Other names: c.2008C>T, p.Arg670Trp (NM_001346440.2); short protein forms R670W.
Identifiers: ClinVar variation 190158 (VCV000190158.9), dbSNP rs202080674, ClinGen allele CA274698.